The following is an entry in ClinVar:

NM_002700.3(POU4F3):c.901T>C (p.Ser301Pro)

Genes: POU4F3 (POU class 4 homeobox 3; plus strand), LOC127814297 (RBM27-POU4F3; plus strand). Cytogenetic location: 5q32.
Variant type: single nucleotide variant.
Coding change: c.901T>C on transcript NM_002700.3 (MANE Select); coding-DNA position 901, T replaced by C.
Protein change: p.Ser301Pro; replaces serine 301 with proline.
Molecular consequence: missense variant.
Genome position (GRCh38, 1-based): chr5:146,340,328, T>C. VCF-style: chr5-146340328-T-C. GRCh37 (hg19) VCF-style: chr5-145719891-T-C.
Other names: short protein forms S301P.
Identifiers: ClinVar variation 504896 (VCV000504896.5), dbSNP rs1554087691, ClinGen allele CA361623013.
Genomic context (GRCh38, chr5:146,340,328, plus strand): 5'-ATCGCGGCGCCGGAGAAGCGTTCACTCGAGGCCTATTTCGCTATCCAGCCACGTCCTTCA[T>C]CTGAGAAGATCGCGGCCATCGCTGAGAAACTGGACCTTAAAAAGAACGTGGTGAGAGTCT-3'
Protein context (NP_002691.1, residues 291-311): AYFAIQPRPS[Ser301Pro]EKIAAIAEKL

ClinVar aggregate classification (germline): Uncertain significance (1 of 4 stars; one submission).

Submission:

Laboratory for Molecular Medicine, Mass General Brigham Personalized Medicine
Classification: Uncertain significance. Last evaluated: 2016-04-14. Review status: criteria provided, single submitter. Criteria: LMM Criteria. Collection method: clinical testing. Allele origin: germline. Observed: 1 variant allele.
Comment: The p.Ser301Pro variant in POU4F3 has not been previously reported in individual s with hearing loss and was absent from large population studies. Computational prediction tools and conservation analyses do not provide strong support for or against an impact to the protein. In summary, the clinical significance of the p .Ser301Pro variant is uncertain.